The following is an entry in ClinVar:

NM_000540.3(RYR1):c.14227G>A (p.Gly4743Ser)

Gene: RYR1 (ryanodine receptor 1; plus strand). Cytogenetic location: 19q13.2.
Variant type: single nucleotide variant.
Coding change: c.14227G>A on transcript NM_000540.3 (MANE Select); coding-DNA position 14227, G replaced by A.
Protein change: p.Gly4743Ser; replaces glycine 4743 with serine.
Molecular consequence: missense variant.
Genome position (GRCh38, 1-based): chr19:38,577,972, G>A. VCF-style: chr19-38577972-G-A. GRCh37 (hg19) VCF-style: chr19-39068612-G-A.
Other names: c.14212G>A, p.Gly4738Ser (NM_001042723.2); short protein forms G4738S, G4743S.
Identifiers: ClinVar variation 1487442 (VCV001487442.6), dbSNP rs2145888340, ClinGen allele CA405684455.

ClinVar aggregate classification (germline): Likely pathogenic (1 of 4 stars; one submission).

Conditions:
RYR1-related disorder. Also called: RYR1-related condition; RYR1-related disorders. Identifiers: MedGen CN239331.

Submission:

Labcorp Genetics (formerly Invitae), Labcorp
Classification: Likely pathogenic for RYR1-related disorder. Last evaluated: 2021-04-15. Review status: criteria provided, single submitter. Criteria: Invitae Variant Classification Sherloc (09022015). Collection method: clinical testing. Allele origin: germline.
Comment: In summary, the currently available evidence indicates that the variant is pathogenic, but additional data are needed to prove that conclusively. Therefore, this variant has been classified as Likely Pathogenic. This variant disrupts the p.Gly4743 amino acid residue in RYR1. Other variant(s) that disrupt this residue have been determined to be pathogenic (PMID: 21674524). This suggests that this residue is clinically significant, and that variants that disrupt this residue are likely to be disease-causing. Advanced modeling of protein sequence and biophysical properties (such as structural, functional, and spatial information, amino acid conservation, physicochemical variation, residue mobility, and thermodynamic stability) performed at Invitae indicates that this missense variant is expected to disrupt RYR1 protein function. This variant has not been reported in the literature in individuals with RYR1-related conditions. This variant is not present in population databases (ExAC no frequency). This sequence change replaces glycine with serine at codon 4743 of the RYR1 protein (p.Gly4743Ser). The glycine residue is highly conserved and there is a small physicochemical difference between glycine and serine.

Literature cited by the submitters: PubMed 21674524.